The following is an entry in ClinVar:

ClinVar aggregate classification (germline): Conflicting classifications of pathogenicity. Review status: criteria provided, conflicting classifications (1 of 4 stars). 14 submissions from 12 submitters: Uncertain significance (2); Benign (2); Likely benign (7). 3 of the submissions do not count toward it. Last evaluated 2026-02-02.

Conditions:
SCN9A-related disorder. Also called: SCN9A-related disorders; SCN9A-related condition.
Generalized epilepsy with febrile seizures plus, type 7 (GEFSP7). Also called: GEFS+, TYPE 7. Identifiers: Orphanet 36387, MedGen C2751778, MONDO:0013470, OMIM 613863.
Neuropathy, hereditary sensory and autonomic, type 2A (HSAN2A). Also called: ACROOSTEOLYSIS, GIACCAI TYPE; ACROOSTEOLYSIS, NEUROGENIC; HSAN IIA; WNK1-Related HSAN2 (HSAN2A); NEUROPATHY, HEREDITARY SENSORY RADICULAR, AUTOSOMAL RECESSIVE; MORVAN DISEASE. Identifiers: Orphanet 970, MedGen C2752089, MONDO:0024309, OMIM 201300.
Inborn genetic diseases. Identifiers: MedGen C0950123, MeSH D030342.
Primary erythromelalgia. Also called: primary erythermalgia; SCN9A Erythromelalgia (SCN9A-EM). Identifiers: Orphanet 306577, Orphanet 90026, MedGen C0014805, MONDO:0007571, OMIM 133020.
Channelopathy-associated congenital insensitivity to pain, autosomal recessive. Also called: Insensitivity to pain, channelopathy-associated; ASYMBOLIA FOR PAIN; CONGENITAL ANALGESIA, AUTOSOMAL RECESSIVE. Identifiers: Orphanet 88642, Orphanet 970, MedGen C1855739, MONDO:0009459, OMIM 243000.
Paroxysmal extreme pain disorder (PEXPD). Also called: SCN9A Paroxysmal Extreme Pain Disorder (SCN9A-PEPD); PAIN, SUBMANDIBULAR, OCULAR, AND RECTAL, WITH FLUSHING; RECTAL PAIN, FAMILIAL. Identifiers: Orphanet 46348, MedGen C1833661, MONDO:0008179, OMIM 167400.

Allele frequency attached by ClinVar (database versions not stated): ExAC 0.00038; gnomAD exomes 0.00045 and 0.00110; TOPMed 0.00057; gnomAD 0.00058 and 0.00059; ESP Exome Variant Server 0.00059.
gnomAD v4.1: 1,709 of 1,613,682 alleles (0.11%); highest among the groups gnomAD compares: Non-Finnish European, 0.14%; 3 homozygotes.

Submissions (14):

Labcorp Genetics (formerly Invitae), Labcorp
Classification: Likely benign for Neuropathy, hereditary sensory and autonomic, type 2A; Generalized epilepsy with febrile seizures plus, type 7. Last evaluated: 2026-02-02. Review status: criteria provided, single submitter. Criteria: Invitae Variant Classification Sherloc (09022015). Collection method: clinical testing. Allele origin: germline.

ARUP Laboratories, Molecular Genetics and Genomics, ARUP Laboratories
Classification: Likely benign. Last evaluated: 2025-05-05. Review status: criteria provided, single submitter. Criteria: ARUP Molecular Germline Variant Investigation Process 2024. Collection method: clinical testing. Allele origin: germline.

Women's Health and Genetics/Laboratory Corporation of America, LabCorp
Classification: Likely benign. Last evaluated: 2025-01-20. Review status: criteria provided, single submitter. Criteria: LabCorp Variant Classification Summary - May 2015. Collection method: clinical testing. Allele origin: germline.

Blueprint Genetics
Classification: Likely benign. Last evaluated: 2024-09-04. Review status: criteria provided, single submitter. Criteria: ACMG Guidelines, 2015. Collection method: clinical testing. Allele origin: germline.

CeGaT Center for Human Genetics Tuebingen
Classification: Likely benign. Last evaluated: 2024-09-01. Review status: criteria provided, single submitter. Criteria: CeGaT Center For Human Genetics Tuebingen Variant Classification Criteria Version 2. Collection method: clinical testing. Allele origin: germline. Affected: yes. Observed: 4 variant alleles.
Comment: SCN9A: BP4, BP7

GeneDx
Classification: Likely benign. Last evaluated: 2020-07-30. Review status: criteria provided, single submitter. Criteria: GeneDx Variant Classification Process June 2021. Collection method: clinical testing. Allele origin: germline. Affected: yes.

Ambry Genetics
Classification: Likely benign for Inborn genetic diseases. Last evaluated: 2019-07-11. Review status: criteria provided, single submitter. Criteria: Ambry Variant Classification Scheme 2023. Collection method: clinical testing. Allele origin: germline.

Illumina Laboratory Services, Illumina
Classification: Benign for Primary erythromelalgia. Last evaluated: 2018-01-13. Review status: criteria provided, single submitter. Criteria: ICSL Variant Classification Criteria 13 December 2019. Collection method: clinical testing. Allele origin: germline.
Comment: This variant was observed in the ICSL laboratory as part of a predisposition screen in an ostensibly healthy population. It had not been previously curated by ICSL or reported in the Human Gene Mutation Database (HGMD: prior to June 1st, 2018), and was therefore a candidate for classification through an automated scoring system. Utilizing variant allele frequency, disease prevalence and penetrance estimates, and inheritance mode, an automated score was calculated to assess if this variant is too frequent to cause the disease. Based on the score and internal cut-off values, a variant classified as benign is not then subjected to further curation. The score for this variant resulted in a classification of benign for this disease.

Illumina Laboratory Services, Illumina
Classification: Benign for Paroxysmal extreme pain disorder. Last evaluated: 2018-01-13. Review status: criteria provided, single submitter. Criteria: ICSL Variant Classification Criteria 13 December 2019. Collection method: clinical testing. Allele origin: germline.
Comment: the same text as in the submission from Illumina Laboratory Services, Illumina above.

Illumina Laboratory Services, Illumina
Classification: Uncertain significance for Channelopathy-associated congenital insensitivity to pain, autosomal recessive. Last evaluated: 2018-01-13. Review status: criteria provided, single submitter. Criteria: ICSL Variant Classification Criteria 13 December 2019. Collection method: clinical testing. Allele origin: germline.

Eurofins Ntd Llc (ga)
Classification: Uncertain significance. Last evaluated: 2017-09-14. Review status: criteria provided, single submitter. Criteria: EGL Classification Definitions 2015. Collection method: clinical testing. Allele origin: germline. Observed: 3 variant alleles, 3 heterozygotes.

PreventionGenetics, part of Exact Sciences
Classification: Likely benign for SCN9A-related condition. Last evaluated: 2019-03-25. Review status: no assertion criteria provided. Collection method: clinical testing. Allele origin: germline. Not counted in ClinVar's aggregate classification.
Comment: This variant is classified as likely benign based on ACMG/AMP sequence variant interpretation guidelines (Richards et al. 2015 PMID: 25741868, with internal and published modifications).

Clinical Genetics, Academic Medical Center
Classification: Likely benign. Review status: no assertion criteria provided. Collection method: clinical testing. Allele origin: germline. Affected: yes. Study: VKGL Data-share Consensus. Not counted in ClinVar's aggregate classification.

Joint Genome Diagnostic Labs from Nijmegen and Maastricht, Radboudumc and MUMC+
Classification: Likely benign. Review status: no assertion criteria provided. Collection method: clinical testing. Allele origin: germline. Affected: yes. Study: VKGL Data-share Consensus. Not counted in ClinVar's aggregate classification.

NM_001365536.1(SCN9A):c.1464C>T (p.Leu488=)

Genes: SCN1A-AS1 (SCN1A and SCN9A antisense RNA 1; plus strand), SCN9A (sodium voltage-gated channel alpha subunit 9; minus strand). Cytogenetic location: 2q24.3.
Variant type: single nucleotide variant.
Coding change: c.1464C>T on transcript NM_001365536.1 (MANE Select); coding-DNA position 1464, C replaced by T.
Protein change: p.Leu488=; no amino-acid change (leucine 488 retained).
Molecular consequence: synonymous variant.
Genome position (GRCh38, 1-based): chr2:166,286,474, G>A on the plus strand (C>T on the coding strand, the complement: SCN9A is on the minus strand). VCF-style: chr2-166286474-G-A. GRCh37 (hg19) VCF-style: chr2-167142984-G-A.
Other names: c.1464C>T, p.Leu488= (NM_002977.4).
Identifiers: ClinVar variation 291185 (VCV000291185.66), dbSNP rs200682458, ClinGen allele CA1944503.
Genomic context (GRCh38, chr2:166,286,474, plus strand): 5'-GCTGTCCTCTGATTCTGATTTCGACAATTTCTCAGCATCTCCCTTTTCCTCTCCACTGGA[G>A]AGCTTCTTTTGATTCTTTTTCTTTCTTCTGTTTCTTCTTTCTTTAGCACTTTTAGAGCTC-3'
Protein context (NP_001352465.1, residues 478-498): NRRKKKNQKK[Leu488=]SSGEEKGDAE